The following is an entry in ClinVar:

ClinVar aggregate classification (germline): Benign/Likely benign. Review status: criteria provided, multiple submitters, no conflicts (2 of 4 stars). 3 submissions from 3 submitters: Benign (1); Likely benign (1). 1 of the submissions does not count toward it. Last evaluated 2026-05-01.

Conditions:
CHD4-related disorder. Also called: CHD4-related condition.

Allele frequency attached by ClinVar (database versions not stated): ESP Exome Variant Server 0.00069; 1000 Genomes Project 30x 0.00094; gnomAD 0.00101; TOPMed 0.00104; 1000 Genomes Project 0.00120.
gnomAD v4.1: 309 of 1,614,014 alleles (0.019%); highest among the groups gnomAD compares: African/African-American, 0.34%; no homozygotes.

Submissions (3):

CeGaT Center for Human Genetics Tuebingen
Classification: Likely benign. Last evaluated: 2026-05-01. Review status: criteria provided, single submitter. Criteria: CeGaT Center For Human Genetics Tuebingen Variant Classification Criteria Version 2. Collection method: clinical testing. Allele origin: germline. Affected: yes. Observed: 2 variant alleles.
Comment: CHD4: BS1

Labcorp Genetics (formerly Invitae), Labcorp
Classification: Benign. Last evaluated: 2025-02-24. Review status: criteria provided, single submitter. Criteria: Invitae Variant Classification Sherloc (09022015). Collection method: clinical testing. Allele origin: germline.

PreventionGenetics, part of Exact Sciences
Classification: Likely benign for CHD4-related condition. Last evaluated: 2024-05-05. Review status: no assertion criteria provided. Collection method: clinical testing. Allele origin: germline. Not counted in ClinVar's aggregate classification.
Comment: This variant is classified as likely benign based on ACMG/AMP sequence variant interpretation guidelines (Richards et al. 2015 PMID: 25741868, with internal and published modifications).

NM_001273.5(CHD4):c.143C>G (p.Thr48Ser)

Gene: CHD4 (chromodomain helicase DNA binding protein 4; minus strand). Cytogenetic location: 12p13.31.
Variant type: single nucleotide variant.
Coding change: c.143C>G on transcript NM_001273.5 (MANE Select); coding-DNA position 143, C replaced by G.
Protein change: p.Thr48Ser; replaces threonine 48 with serine.
Molecular consequence: missense variant.
Genome position (GRCh38, 1-based): chr12:6,602,455, G>C on the plus strand (C>G on the coding strand, the complement: CHD4 is on the minus strand). VCF-style: chr12-6602455-G-C. GRCh37 (hg19) VCF-style: chr12-6711621-G-C.
Other names: c.143C>G, p.Thr48Ser (NM_001297553.2, NM_001363606.2); c.143C>G (NM_001273.3); short protein forms T48S.
Identifiers: ClinVar variation 2055470 (VCV002055470.9), dbSNP rs143206689, ClinGen allele CA6412613.
Genomic context (GRCh38, chr12:6,602,455, plus strand): 5'-CTCTTAGGGATTTTAGGGTCCCGAGGTTTCTTAGGCTTTTTCTTCTTCTTGAGCTTTGGA[G>C]TCTCTGTTTCTGACAAATCCTCTTCTGGGTCCTCTTCATTTTCTACATATATTTGGCAAA-3'
Protein context (NP_001264.2, residues 38-58): DPEEDLSETE[Thr48Ser]PKLKKKKKPK